The following is an entry in ClinVar:

NM_003001.5(SDHC):c.397C>T (p.Arg133Ter)

Gene: SDHC (succinate dehydrogenase complex subunit C; plus strand). Cytogenetic location: 1q23.3.
Variant type: single nucleotide variant.
Coding change: c.397C>T on transcript NM_003001.5 (MANE Select); coding-DNA position 397, C replaced by T.
Protein change: p.Arg133Ter; replaces arginine 133 with a stop codon.
Molecular consequence: nonsense. On other transcripts: non-coding transcript variant (1), intron variant (3).
Genome position (GRCh38, 1-based): chr1:161,356,832, C>T. VCF-style: chr1-161356832-C-T. GRCh37 (hg19) VCF-style: chr1-161326622-C-T.
Other names: c.295C>T, p.Arg99Ter (NM_001035512.3); c.238C>T, p.Arg80Ter (NM_001035513.3); c.517C>T, p.Arg173Ter (NM_001407115.1); c.340C>T, p.Arg114Ter (NM_001407116.1); c.334C>T, p.Arg112Ter (NM_001407117.1); c.289C>T, p.Arg97Ter (NM_001407118.1); c.286C>T, p.Arg96Ter (NM_001407119.1, NM_001407120.1); c.242-5497C>T (NM_001035511.3); and 2 more; short protein forms R133*, R80*, R99*, R114*, R173*, R96*, R97*, R112*.
Identifiers: ClinVar variation 183753 (VCV000183753.68), dbSNP rs764575966, ClinGen allele CA011426.

ClinVar aggregate classification (germline): Pathogenic. Review status: criteria provided, multiple submitters, no conflicts (2 of 4 stars). 19 submissions from 18 submitters: Pathogenic (18). 1 of the submissions does not count toward it. Last evaluated 2025-10-23.

Conditions:
SDHC-related disorder. Also called: SDHC-related condition.
Gastrointestinal stromal tumor. Also called: Gastrointestinal stromal tumor, somatic; Gastrointestinal stroma tumor. Identifiers: Orphanet 44890, MedGen C0238198, MeSH D046152, MONDO:0011719, OMIM 606764, HP:0100723.
Pheochromocytoma/paraganglioma syndrome 3. Also called: GLOMUS TUMORS, FAMILIAL, 3; SDHC-Related Hereditary Paraganglioma-Pheochromocytoma Syndrome (Paragangliomas 3); SDHC-Related Hereditary Paraganglioma-Pheochromocytoma Syndrome; Paragangliomas 3. Identifiers: Orphanet 29072, MedGen C1854336, MONDO:0011544, OMIM 605373.
Hereditary cancer-predisposing syndrome. Also called: Hereditary neoplastic syndrome; Tumor predisposition; Neoplastic Syndromes, Hereditary; Hereditary Cancer Syndrome. Identifiers: Orphanet 140162, MedGen C0027672, MeSH D009386, MONDO:0015356.
Carney-Stratakis syndrome. Also called: PARAGANGLIOMA AND GASTROINTESTINAL STROMAL TUMOR. Identifiers: Orphanet 97286, MedGen C1847319, MONDO:0011740, OMIM 606864.
Hereditary pheochromocytoma and paraganglioma. Also called: Hereditary pheochromocytoma-paraganglioma; Hereditary paragangliomas and pheochromocytomas; Hereditary Paraganglioma-Pheochromocytoma Syndromes. Identifiers: Orphanet 29072, MedGen C4274332, MONDO:0017366.

Allele frequency attached by ClinVar (database versions not stated): gnomAD 0.00001; ExAC 0.00002; gnomAD exomes 0.00003 and 0.00004.
gnomAD v4.1: 40 of 1,613,832 alleles (0.0025%); highest among the groups gnomAD compares: South Asian, 0.0055%; no homozygotes.

Submissions 1 to 11 of 19:

Labcorp Genetics (formerly Invitae), Labcorp
Classification: Pathogenic for Pheochromocytoma/paraganglioma syndrome 3; Gastrointestinal stromal tumor. Last evaluated: 2025-10-23. Review status: criteria provided, single submitter. Criteria: Invitae Variant Classification Sherloc (09022015). Collection method: clinical testing. Allele origin: germline.
Comment: This sequence change creates a premature translational stop signal (p.Arg133*) in the SDHC gene. While this is not anticipated to result in nonsense mediated decay, it is expected to disrupt the last 37 amino acid(s) of the SDHC protein. This variant is present in population databases (rs764575966, gnomAD 0.01%). This premature translational stop signal has been observed in individuals with paragangliomas (PGLs) and gastrointestinal stromal tumor (PMID: 17898811, 23083876, 23282968, 24423348, 24523625, 24758179, 27700540). It has also been observed to segregate with disease in related individuals. ClinVar contains an entry for this variant (Variation ID: 183753). Studies have shown that this premature translational stop signal is associated with inconclusive levels of altered splicing (internal data). For these reasons, this variant has been classified as Pathogenic.

Ambry Genetics
Classification: Pathogenic for Hereditary cancer-predisposing syndrome. Last evaluated: 2025-07-24. Review status: criteria provided, single submitter. Criteria: Ambry Variant Classification Scheme 2023. Collection method: clinical testing. Allele origin: germline.
Comment: The c.397C>T (p.R133*) alteration, located in exon 5 (coding exon 5) of the SDHC gene, consists of a C to T substitution at nucleotide position 397. This changes the amino acid from a arginine (R) to a stop codon at amino acid position 133. This alteration occurs at the 3' terminus of SDHC gene, is not expected to trigger nonsense-mediated mRNA decay, and only impacts the last 37 amino acids of the protein. However, premature stop codons are typically deleterious in nature and the impacted region is critical for protein function. Based on data from gnomAD, the T allele has an overall frequency of 0.004% (10/280416) total alleles studied. The highest observed frequency was 0.01% (3/30616) of South Asian alleles. This alteration has been reported in multiple unrelated individuals with paragangliomas (PGLs), gastrointestinal stromal tumors (GIST), renal cell carcinomas, and an adrenocortical carcinoma (Ricketts, 2012; Miettinen, 2013; Bickmann, 2014; Else, 2014; Lefebvre, 2014; Else, 2017). In addition, this alteration has been identified in multiple individuals with PGLs of French Canadian descent (Bourdeau, 2016). Based on the available evidence, this alteration is classified as pathogenic.

CeGaT Center for Human Genetics Tuebingen
Classification: Pathogenic. Last evaluated: 2025-07-01. Review status: criteria provided, single submitter. Criteria: CeGaT Center For Human Genetics Tuebingen Variant Classification Criteria Version 2. Collection method: clinical testing. Allele origin: germline. Affected: yes. Observed: 3 variant alleles.
Comment: SDHC: PVS1:Strong, PM2, PP1:Moderate, PS4:Moderate

Color Diagnostics, LLC DBA Color Health
Classification: Pathogenic for Hereditary pheochromocytoma and paraganglioma. Last evaluated: 2024-11-26. Review status: criteria provided, single submitter. Criteria: ACMG Guidelines, 2015. Collection method: clinical testing. Allele origin: germline.
Comment: This variant changes 1 nucleotide in exon 5 of the SDHC gene, creating a premature translation stop signal in the last coding exon. This variant is predicted to escape nonsense-mediated decay and be expressed as a truncated protein. To our knowledge, functional studies have not been reported for this variant. This variant has been reported in over 20 individuals affected with hereditary paranganglioma-pheochromocytoma syndrome (PMID: 24758179, 25024072, 27700540, 28819017), and over 10 individuals with sporadic paranganglioma (PMID: 34750850). This variant is described as a common variant in the French Canadian population (PMID: 27700540), and it has been observed that this variant segregates with disease (PMID: 25024072, 27700540, 28819017). This variant has been identified in 10/280416 chromosomes in the general population by the Genome Aggregation Database (gnomAD). Loss of SDHC function is a known mechanism of disease. Based on the available evidence, this variant is classified as Pathogenic.

Blueprint Genetics
Classification: Pathogenic for SDHC-related disorders. Last evaluated: 2024-05-27. Review status: criteria provided, single submitter. Criteria: ACMG Guidelines, 2015. Collection method: clinical testing. Allele origin: germline. Affected: yes. Observed: 5 variant alleles.

Baylor Genetics
Classification: Pathogenic for Gastrointestinal stromal tumor. Last evaluated: 2024-03-01. Review status: criteria provided, single submitter. Criteria: ACMG Guidelines, 2015. Collection method: clinical testing. Allele origin: unknown.

Myriad Genetics, Inc.
Classification: Pathogenic for Pheochromocytoma/paraganglioma syndrome 3. Last evaluated: 2024-02-08. Review status: criteria provided, single submitter. Criteria: Myriad Autosomal Dominant, Autosomal Recessive and X-Linked Classification Criteria (2023). Collection method: clinical testing. Allele origin: unknown.
Comment: This variant is considered pathogenic. This variant creates a termination codon and is predicted to result in premature protein truncation.

All of Us Research Program, National Institutes of Health
Classification: Pathogenic for Hereditary pheochromocytoma and paraganglioma. Last evaluated: 2024-02-05. Review status: criteria provided, single submitter. Criteria: ACMG Guidelines, 2015. Collection method: clinical testing. Allele origin: germline. Inheritance: Autosomal dominant inheritance. Observed: 3 variant alleles, 3 heterozygotes.
Comment: This variant changes 1 nucleotide in exon 5 of the SDHC gene, creating a premature translation stop signal in the last coding exon. This variant is predicted to escape nonsense-mediated decay and be expressed as a truncated protein. To our knowledge, functional studies have not been reported for this variant. This variant has been reported in over 20 individuals affected with hereditary paranganglioma-pheochromocytoma syndrome (PMID: 24758179, 25024072, 27700540, 28819017), and over 10 individuals with sporadic paranganglioma (PMID: 34750850). This variant is described as a common variant in the French Canadian population (PMID: 27700540), and it has been observed that this variant segregates with disease (PMID: 25024072, 27700540, 28819017). This variant has been identified in 10/280416 chromosomes in the general population by the Genome Aggregation Database (gnomAD). Loss of SDHC function is a known mechanism of disease. Based on the available evidence, this variant is classified as Pathogenic.

This study involves interpretation of variants in research participants for the purpose of population health screening. Participant phenotype was not available at the time of variant classification. Additional details can be found in publication PMID: 35346344, PMCID: PMC8962531

Department of Pathology and Laboratory Medicine, Sinai Health System
Classification: Pathogenic for Pheochromocytoma/paraganglioma syndrome 3; Gastrointestinal stromal tumor; Carney-Stratakis syndrome. Last evaluated: 2024-01-30. Review status: criteria provided, single submitter. Criteria: ACMG Guidelines, 2015. Collection method: clinical testing. Allele origin: germline. Affected: no.

GeneDx
Classification: Pathogenic. Last evaluated: 2022-04-04. Review status: criteria provided, single submitter. Criteria: GeneDx Variant Classification Process June 2021. Collection method: clinical testing. Allele origin: germline. Affected: yes.
Comment: Nonsense variant in the C-terminus predicted to result in protein truncation, as the last 37 amino acids are lost, and other loss-of-function variants have been reported downstream in the Human Gene Mutation Database (HGMD); Not observed at significant frequency in large population cohorts (gnomAD); This variant is associated with the following publications: (PMID: 22517557, 23282968, 26659639, 19351833, 28973655, 27634942, 24423348, 25525159, 17898811, 23083876, 19454582, 24523625, 24758179, 24102379, 25024072, 27493882, 27700540, 29339836, 26492543, 28819017, 29794110, 26490314, 29386252, 30201732, 31212687, 32272925, 33087929, 30787465, 31447099, 30877234)

Fulgent Genetics
Classification: Pathogenic for Pheochromocytoma/paraganglioma syndrome 3; Gastrointestinal stromal tumor; Carney-Stratakis syndrome. Last evaluated: 2021-08-19. Review status: criteria provided, single submitter. Criteria: ACMG Guidelines, 2015. Collection method: clinical testing. Allele origin: unknown.